The following is an entry in ClinVar:

NC_000015.9:g.(?_75189332)_(75190071_?)del

Gene: MPI (mannose phosphate isomerase; plus strand). Cytogenetic location: 15q24.1.
Variant type: Deletion.
Identifiers: ClinVar variation 3243800 (VCV003243800.1).

ClinVar aggregate classification (germline): Pathogenic (1 of 4 stars; one submission).

Conditions:
MPI-congenital disorder of glycosylation. Also called: CONGENITAL DISORDER OF GLYCOSYLATION, TYPE Ib; CDG Ib; MANNOSEPHOSPHATE ISOMERASE DEFICIENCY; MPI DEFICIENCY; PROTEIN-LOSING ENTEROPATHY-HEPATIC FIBROSIS SYNDROME; MPI-CDG. Identifiers: Orphanet 79319, MedGen C1865145, MONDO:0011257, OMIM 602579.

Submission:

Labcorp Genetics (formerly Invitae), Labcorp
Classification: Pathogenic for MPI-congenital disorder of glycosylation. Last evaluated: 2023-11-20. Review status: criteria provided, single submitter. Criteria: Invitae Variant Classification Sherloc (09022015). Collection method: clinical testing. Allele origin: unknown.
Comment: This variant is a gross deletion of the genomic region encompassing exon(s) 7-8 of the MPI gene, which includes the termination codon. This deletion extends beyond the assayed region for this gene and therefore may encompass additional genes. While this deletion is not anticipated to lead to nonsense mediated decay, it is expected to alter mRNA translation or result in a truncated protein product. This variant has not been reported in the literature in individuals affected with MPI-related conditions. This variant disrupts a region of the MPI protein in which other variant(s) (p.Ile398Thr) have been determined to be pathogenic (PMID: 10484808, 30545931). This suggests that this is a clinically significant region of the protein, and that variants that disrupt it are likely to be disease-causing. For these reasons, this variant has been classified as Pathogenic.

Literature cited by the submitters: PubMed 10484808; PubMed 30545931.